The following is an entry in ClinVar:

ClinVar aggregate classification (germline): Uncertain significance. Review status: criteria provided, multiple submitters, no conflicts (2 of 4 stars). 2 submissions from 2 submitters: Uncertain significance (2). Last evaluated 2023-11-01.

Conditions:
Fanconi anemia complementation group J. Also called: BRIP1-Related Fanconi Anemia. Identifiers: Orphanet 84, MedGen C1836860, MONDO:0012187, OMIM 609054.
Familial cancer of breast. Also called: hereditary breast carcinoma; Hereditary breast cancer; BREAST CANCER, FAMILIAL. Identifiers: Orphanet 227535, MedGen C0346153, MONDO:0016419, OMIM 114480. Disease mechanism: loss of function.

Submissions (2):

CeGaT Center for Human Genetics Tuebingen
Classification: Uncertain significance. Last evaluated: 2023-11-01. Review status: criteria provided, single submitter. Criteria: CeGaT Center For Human Genetics Tuebingen Variant Classification Criteria Version 2. Collection method: clinical testing. Allele origin: germline. Affected: yes. Observed: 1 variant allele.
Comment: BRIP1: PM2, BP1

Labcorp Genetics (formerly Invitae), Labcorp
Classification: Uncertain significance for Familial cancer of breast; Fanconi anemia complementation group J. Last evaluated: 2022-03-06. Review status: criteria provided, single submitter. Criteria: Invitae Variant Classification Sherloc (09022015). Collection method: clinical testing. Allele origin: germline.
Comment: This sequence change replaces glycine, which is neutral and non-polar, with glutamic acid, which is acidic and polar, at codon 840 of the BRIP1 protein (p.Gly840Glu). This variant is not present in population databases (gnomAD no frequency). This variant has not been reported in the literature in individuals affected with BRIP1-related conditions. Algorithms developed to predict the effect of missense changes on protein structure and function are either unavailable or do not agree on the potential impact of this missense change (SIFT: "Deleterious"; PolyPhen-2: "Probably Damaging"; Align-GVGD: "Class C15"). Algorithms developed to predict the effect of sequence changes on RNA splicing suggest that this variant may create or strengthen a splice site. In summary, the available evidence is currently insufficient to determine the role of this variant in disease. Therefore, it has been classified as a Variant of Uncertain Significance.

NM_032043.3(BRIP1):c.2519G>A (p.Gly840Glu)

Gene: BRIP1 (BRCA1 interacting DNA helicase 1; minus strand). Cytogenetic location: 17q23.2.
Variant type: single nucleotide variant.
Coding change: c.2519G>A on transcript NM_032043.3 (MANE Select); coding-DNA position 2519, G replaced by A.
Protein change: p.Gly840Glu; replaces glycine 840 with glutamic acid.
Molecular consequence: missense variant.
Genome position (GRCh38, 1-based): chr17:61,693,486, C>T on the plus strand (G>A on the coding strand, the complement: BRIP1 is on the minus strand). VCF-style: chr17-61693486-C-T. GRCh37 (hg19) VCF-style: chr17-59770847-C-T.
Other names: short protein forms G840E.
Identifiers: ClinVar variation 1906037 (VCV001906037.28), dbSNP rs2144187127, ClinGen allele CA400482446.